The following is an entry in ClinVar:

ClinVar aggregate classification (germline): Uncertain significance (1 of 4 stars; one submission).

Conditions:
Charcot-Marie-Tooth disease type 2E (CMT2E). Also called: CHARCOT-MARIE-TOOTH DISEASE, AXONAL, TYPE 2E; CHARCOT-MARIE-TOOTH NEUROPATHY, TYPE 2E. Identifiers: Orphanet 99939, MedGen C1843225, MONDO:0011894, OMIM 607684.

Submission:

Labcorp Genetics (formerly Invitae), Labcorp
Classification: Uncertain significance for Charcot-Marie-Tooth disease type 2E. Last evaluated: 2018-07-20. Review status: criteria provided, single submitter. Criteria: Invitae Variant Classification Sherloc (09022015). Collection method: clinical testing. Allele origin: germline.
Comment: This variant results in a copy number gain of the genomic region encompassing the full coding sequence of the NEFL gene. The boundaries of this event are unknown as they extend beyond the assayed region for this gene and therefore may encompass additional genes. As the precise location of this event is unknown, it may be in tandem or it may be located elsewhere in the genome. This variant has not been reported in the literature in individuals with NEFL-related disease. Experimental studies are not available for this variant, and the functional significance of a copy number gain of this gene is currently unknown. In summary, the available evidence is currently insufficient to determine the role of this variant in disease. Therefore, it has been classified as a Variant of Uncertain Significance.

NC_000008.10:g.(?_24810303)_(24814049_?)dup

Gene: NEFL (neurofilament light chain; minus strand). Cytogenetic location: 8p21.2.
Variant type: Duplication.
Identifiers: ClinVar variation 652961 (VCV000652961.1).